The following is an entry in ClinVar:

NM_000071.3(CBS):c.1400C>T (p.Ser467Phe)

Gene: CBS (cystathionine beta-synthase; minus strand). Cytogenetic location: 21q22.3.
Variant type: single nucleotide variant.
Coding change: c.1400C>T on transcript NM_000071.3 (MANE Select); coding-DNA position 1400, C replaced by T.
Protein change: p.Ser467Phe; replaces serine 467 with phenylalanine.
Molecular consequence: missense variant.
Genome position (GRCh38, 1-based): chr21:43,058,212, G>A on the plus strand (C>T on the coding strand, the complement: CBS is on the minus strand). VCF-style: chr21-43058212-G-A. GRCh37 (hg19) VCF-style: chr21-44478322-G-A.
Other names: c.1400C>T, p.Ser467Phe (NM_001178008.3, NM_001178009.3, NM_001320298.2); c.1085C>T, p.Ser362Phe (NM_001321072.1); short protein forms S362F, S467F.
Identifiers: ClinVar variation 1771790 (VCV001771790.2), dbSNP rs1237233267, ClinGen allele CA410396742.

ClinVar aggregate classification (germline): Uncertain significance (1 of 4 stars; one submission).

Conditions:
Familial thoracic aortic aneurysm and aortic dissection (TAAD). Also called: Thoracic aortic aneurysms and dissections. Identifiers: Orphanet 91387, MedGen C4707243, MONDO:0019625.

Submission:

Ambry Genetics
Classification: Uncertain significance for Familial thoracic aortic aneurysm and aortic dissection. Last evaluated: 2021-11-24. Review status: criteria provided, single submitter. Criteria: Ambry Variant Classification Scheme 2023. Collection method: clinical testing. Allele origin: germline.
Comment: The p.S467F variant (also known as c.1400C>T), located in coding exon 13 of the CBS gene, results from a C to T substitution at nucleotide position 1400. The serine at codon 467 is replaced by phenylalanine, an amino acid with highly dissimilar properties. This amino acid position is conserved. In addition, the in silico prediction for this alteration is inconclusive. Since supporting evidence is limited at this time, the clinical significance of this alteration remains unclear.